The following is an entry in ClinVar:

ClinVar aggregate classification (germline): Uncertain significance (1 of 4 stars; one submission).

Conditions:
Hyperkalemic periodic paralysis. Also called: Familial hyperkalemic periodic paralysis; Gamstorp disease. Identifiers: Orphanet 682, MedGen C0238357, MONDO:0008224, OMIM 170500, HP:0007215.
Hypokalemic periodic paralysis, type 2 (HOKPP2). Identifiers: Orphanet 681, MedGen C2750061, MONDO:0013234, OMIM 613345.

Submission:

Dr. med. U. Finckh, Human Genetics, Eurofins MVZ
Classification: Uncertain significance for Hyperkalemic periodic paralysis; Hypokalemic periodic paralysis, type 2. Last evaluated: 2022-01-21. Review status: criteria provided, single submitter. Criteria: ACMG Guidelines, 2015. Collection method: clinical testing. Allele origin: germline. Observed: 3 heterozygotes.

NM_000334.4(SCN4A):c.2017C>G (p.Leu673Val)

Gene: SCN4A (sodium voltage-gated channel alpha subunit 4; minus strand). Cytogenetic location: 17q23.3.
Variant type: single nucleotide variant.
Coding change: c.2017C>G on transcript NM_000334.4 (MANE Select); coding-DNA position 2017, C replaced by G.
Protein change: p.Leu673Val; replaces leucine 673 with valine.
Molecular consequence: missense variant.
Genome position (GRCh38, 1-based): chr17:63,959,267, G>C on the plus strand (C>G on the coding strand, the complement: SCN4A is on the minus strand). VCF-style: chr17-63959267-G-C. GRCh37 (hg19) VCF-style: chr17-62036627-G-C.
Other names: short protein forms L673V.
Identifiers: ClinVar variation 2580953 (VCV002580953.1), dbSNP rs2509307673, ClinGen allele CA400631563.